The following is an entry in ClinVar:

NM_024675.4(PALB2):c.1365T>G (p.Asn455Lys)

Gene: PALB2 (partner and localizer of BRCA2; minus strand). Cytogenetic location: 16p12.2.
Variant type: single nucleotide variant.
Coding change: c.1365T>G on transcript NM_024675.4 (MANE Select); coding-DNA position 1365, T replaced by G.
Protein change: p.Asn455Lys; replaces asparagine 455 with lysine.
Molecular consequence: missense variant. On other transcripts: intron variant (3).
Genome position (GRCh38, 1-based): chr16:23,635,181, A>C on the plus strand (T>G on the coding strand, the complement: PALB2 is on the minus strand). VCF-style: chr16-23635181-A-C. GRCh37 (hg19) VCF-style: chr16-23646502-A-C.
Other names: c.1305T>G, p.Asn435Lys (NM_001407296.1); c.1365T>G, p.Asn455Lys (NM_001407297.1, NM_001407298.1, NM_001407299.1 and 3 more transcripts); c.480T>G, p.Asn160Lys (NM_001407304.1, NM_001407305.1, NM_001407306.1 and 5 more transcripts); c.49-5906T>G (NM_001407314.1); c.-104-4712T>G (NM_001407313.1, NM_001407312.1); short protein forms N435K, N455K, N160K.
Identifiers: ClinVar variation 4130333 (VCV004130333.1).

ClinVar aggregate classification (germline): Uncertain significance (1 of 4 stars; one submission).

Conditions:
Hereditary cancer-predisposing syndrome. Also called: Hereditary neoplastic syndrome; Neoplastic Syndromes, Hereditary; Tumor predisposition; Hereditary Cancer Syndrome. Identifiers: Orphanet 140162, MedGen C0027672, MeSH D009386, MONDO:0015356.

Submission:

Ambry Genetics
Classification: Uncertain significance for Hereditary cancer-predisposing syndrome. Last evaluated: 2025-07-28. Review status: criteria provided, single submitter. Criteria: Ambry Variant Classification Scheme 2023. Collection method: clinical testing. Allele origin: germline.
Comment: The p.N455K variant (also known as c.1365T>G), located in coding exon 4 of the PALB2 gene, results from a T to G substitution at nucleotide position 1365. The asparagine at codon 455 is replaced by lysine, an amino acid with similar properties. This amino acid position is conserved. In addition, this alteration is predicted to be tolerated by in silico analysis. Based on the available evidence, the clinical significance of this variant remains unclear.